The following is an entry in ClinVar:

NM_005956.4(MTHFD1):c.406G>A (p.Ala136Thr)

Gene: MTHFD1 (methylenetetrahydrofolate dehydrogenase, cyclohydrolase and formyltetrahydrofolate synthetase 1; plus strand). Cytogenetic location: 14q23.3.
Variant type: single nucleotide variant.
Coding change: c.406G>A on transcript NM_005956.4 (MANE Select); coding-DNA position 406, G replaced by A.
Protein change: p.Ala136Thr; replaces alanine 136 with threonine.
Molecular consequence: missense variant.
Genome position (GRCh38, 1-based): chr14:64,415,667, G>A. VCF-style: chr14-64415667-G-A. GRCh37 (hg19) VCF-style: chr14-64882385-G-A.
Other names: c.406G>A, p.Ala136Thr (NM_001364837.1); short protein forms A136T.
Identifiers: ClinVar variation 1919636 (VCV001919636.3), dbSNP rs773073869, ClinGen allele CA261829004.

ClinVar aggregate classification (germline): Uncertain significance (1 of 4 stars; one submission).

Allele frequency attached by ClinVar (database versions not stated): gnomAD exomes below 0.00001.
gnomAD v4.1: 4 of 1,613,386 alleles (0.00025%); highest among the groups gnomAD compares: Non-Finnish European, 0.00025%; no homozygotes.

Submission:

Labcorp Genetics (formerly Invitae), Labcorp
Classification: Uncertain significance. Last evaluated: 2022-07-11. Review status: criteria provided, single submitter. Criteria: Invitae Variant Classification Sherloc (09022015). Collection method: clinical testing. Allele origin: germline.
Comment: In summary, the available evidence is currently insufficient to determine the role of this variant in disease. Therefore, it has been classified as a Variant of Uncertain Significance. Algorithms developed to predict the effect of missense changes on protein structure and function are either unavailable or do not agree on the potential impact of this missense change (SIFT: "Deleterious"; PolyPhen-2: "Possibly Damaging"; Align-GVGD: "Class C0"). This variant has not been reported in the literature in individuals affected with MTHFD1-related conditions. This variant is not present in population databases (gnomAD no frequency). This sequence change replaces alanine, which is neutral and non-polar, with threonine, which is neutral and polar, at codon 136 of the MTHFD1 protein (p.Ala136Thr).